The following is an entry in ClinVar:

NM_000475.5(NR0B1):c.1168+1_1168+20del

Gene: NR0B1 (nuclear receptor subfamily 0 group B member 1; minus strand). Cytogenetic location: Xp21.2.
Variant type: Deletion.
Coding change: c.1168+1_1168+20del on transcript NM_000475.5 (MANE Select); the canonical splice donor site of the intron after coding-DNA position 1168 through 20 bases into the intron after coding-DNA position 1168, 20 bases deleted (GTAAGGGTACTGGCCTTAGG).
Molecular consequence: splice donor variant.
Genome position (GRCh38, 1-based): chrX:30,308,176-30,308,195, CCTAAGGCCAGTACCCTTAC deleted on the plus strand (GTAAGGGTACTGGCCTTAGG on the coding strand, the reverse complement: NR0B1 is on the minus strand); deleting any 20 consecutive bases within chrX:30,308,176-30,308,197 gives the same sequence; the c. name uses the placement nearest the transcript's 3' end. VCF-style (leftmost placement, unchanged base first): chrX-30308175-GCCTAAGGCCAGTACCCTTAC-G. GRCh37 (hg19) VCF-style: chrX-30326292-GCCTAAGGCCAGTACCCTTAC-G.
Identifiers: ClinVar variation 492857 (VCV000492857.5), dbSNP rs1555972943, ClinGen allele CA658684286.
Genomic context (GRCh38, chrX:30,308,175, plus strand): 5'-TACTGCCCGCGCCCCTAGATAGGCACTGCCCGATGCTTTTGTGAGCTGGGAAAAGCCGGC[GCCTAAGGCCAGTACCCTTAC>G]CCGGGTTAAAGAGCACGGTCCCCTTGAGGTAGGCGTACTCCTTGGTACTGATGTTCAGAC-3'

ClinVar aggregate classification (germline): Pathogenic/Likely pathogenic. Review status: criteria provided, multiple submitters, no conflicts (2 of 4 stars). 2 submissions from 2 submitters: Pathogenic (1); Likely pathogenic (1). Last evaluated 2022-04-06.

Conditions:
Congenital adrenal hypoplasia, X-linked (AHC). Also called: Isolated X-Linked Adrenal Hypoplasia Congenita; ADRENAL HYPOPLASIA, CONGENITAL, WITH HYPOGONADOTROPIC HYPOGONADISM; X-linked AHC; X-Linked Adrenal Hypoplasia Congenita. Identifiers: Orphanet 95702, MedGen C0342482, MONDO:0010264, OMIM 300200. Disease mechanism: loss of function.
46,XY sex reversal 2. Also called: Dosage-sensitive sex reversal; 46XY sex reversal 2, dosage-sensitive; 46,XY SEX REVERSAL, DAX1-RELATED; NR0B1-Related 46,XY CGD; NR0B1-related 46,XY complete gonadal dysgenesis. Identifiers: MedGen C1848296, MONDO:0010226, OMIM 300018.

Submissions (2):

Labcorp Genetics (formerly Invitae), Labcorp
Classification: Likely pathogenic for Congenital adrenal hypoplasia, X-linked; 46,XY sex reversal 2. Last evaluated: 2022-04-06. Review status: criteria provided, single submitter. Criteria: Invitae Variant Classification Sherloc (09022015). Collection method: clinical testing. Allele origin: germline.
Comment: This variant disrupts the C-terminus of the NR0B1 protein. Other variant(s) that disrupt this region (p.Gln395*, p.Asp459Glyfs*3, p.Ser431Ilefs*6) have been observed in individuals with NR0B1-related conditions (PMID: 7609262, 8855822). This suggests that this may be a clinically significant region of the protein. In summary, the currently available evidence indicates that the variant is pathogenic, but additional data are needed to prove that conclusively. Therefore, this variant has been classified as Likely Pathogenic. Variants that disrupt the consensus splice site are a relatively common cause of aberrant splicing (PMID: 17576681, 9536098). Algorithms developed to predict the effect of sequence changes on RNA splicing suggest that this variant may disrupt the consensus splice site. ClinVar contains an entry for this variant (Variation ID: 492857). This variant has not been reported in the literature in individuals affected with NR0B1-related conditions. This variant is not present in population databases (gnomAD no frequency). This sequence change affects a splice site in intron 1 of the NR0B1 gene. While this variant is not anticipated to result in nonsense mediated decay, it likely alters RNA splicing and results in a disrupted protein product.

Clinical Molecular Genetics Laboratory, Johns Hopkins All Children's Hospital
Classification: Pathogenic for Congenital adrenal hypoplasia, X-linked. Last evaluated: 2017-10-27. Review status: criteria provided, single submitter. Criteria: ACMG Guidelines, 2015. Collection method: clinical testing. Allele origin: germline. Affected: yes.

Literature cited by the submitters: PubMed 7609262 (cited by Labcorp Genetics (formerly Invitae), Labcorp); PubMed 8855822 (cited by Labcorp Genetics (formerly Invitae), Labcorp); PubMed 17576681 (cited by Labcorp Genetics (formerly Invitae), Labcorp); PubMed 9536098 (cited by Labcorp Genetics (formerly Invitae), Labcorp).